The following is an entry in ClinVar:

NM_018230.3(NUP133):c.870G>A (p.Thr290=)

Gene: NUP133 (nucleoporin 133; minus strand). Cytogenetic location: 1q42.13.
Variant type: single nucleotide variant.
Coding change: c.870G>A on transcript NM_018230.3 (MANE Select); coding-DNA position 870, G replaced by A.
Protein change: p.Thr290=; no amino-acid change (threonine 290 retained).
Molecular consequence: synonymous variant.
Genome position (GRCh38, 1-based): chr1:229,495,997, C>T on the plus strand (G>A on the coding strand, the complement: NUP133 is on the minus strand). VCF-style: chr1-229495997-C-T. GRCh37 (hg19) VCF-style: chr1-229631744-C-T.
Other names: c.870G>A (NM_018230.2).
Identifiers: ClinVar variation 2083566 (VCV002083566.6), dbSNP rs147071617, ClinGen allele CA1443700.
Genomic context (GRCh38, chr1:229,495,997, plus strand): 5'-CCAACTGTATGCATGCTTTTCTGAAGAATCATCTAATTCCCATTTACTGATGTTTGAACT[C>T]GTCAGGCTATAAAAGCTTGATCTCTCTCTATCCCAGAGAACACTTGAAAGCTATTCAGAA-3'
Protein context (NP_060700.2, residues 280-300): DRERSSFYSL[Thr290=]SSNISKWELD

ClinVar aggregate classification (germline): Likely benign. Review status: criteria provided, single submitter (1 of 4 stars). 2 submissions from 2 submitters: Likely benign (1). 1 of the submissions does not count toward it. Last evaluated 2025-08-08.

Conditions:
NUP133-related disorder. Also called: NUP133-related condition.

Allele frequency attached by ClinVar (database versions not stated): 1000 Genomes Project 30x 0.00016; ESP Exome Variant Server 0.00054.
gnomAD v4.1: 142 of 1,610,610 alleles (0.0088%); highest among the groups gnomAD compares: African/African-American, 0.16%; no homozygotes.

Submissions (2):

Labcorp Genetics (formerly Invitae), Labcorp
Classification: Likely benign. Last evaluated: 2025-08-08. Review status: criteria provided, single submitter. Criteria: Invitae Variant Classification Sherloc (09022015). Collection method: clinical testing. Allele origin: germline.

PreventionGenetics, part of Exact Sciences
Classification: Likely benign for NUP133-related condition. Last evaluated: 2021-12-20. Review status: no assertion criteria provided. Collection method: clinical testing. Allele origin: germline. Not counted in ClinVar's aggregate classification.
Comment: This variant is classified as likely benign based on ACMG/AMP sequence variant interpretation guidelines (Richards et al. 2015 PMID: 25741868, with internal and published modifications).